The following is an entry in ClinVar:

NM_178170.3(NEK8):c.1696A>G (p.Ile566Val)

Gene: NEK8 (NIMA related kinase 8; plus strand). Cytogenetic location: 17q11.2.
Variant type: single nucleotide variant.
Coding change: c.1696A>G on transcript NM_178170.3 (MANE Select); coding-DNA position 1696, A replaced by G.
Protein change: p.Ile566Val; replaces isoleucine 566 with valine.
Molecular consequence: missense variant.
Genome position (GRCh38, 1-based): chr17:28,740,949, A>G. VCF-style: chr17-28740949-A-G. GRCh37 (hg19) VCF-style: chr17-27067967-A-G.
Other names: short protein forms I566V.
Identifiers: ClinVar variation 2065006 (VCV002065006.4), dbSNP rs1481828106, ClinGen allele CA398357813.
Genomic context (GRCh38, chr17:28,740,949, plus strand): 5'-GAGGCCCTGAGCTTCACACTACTAGGCTCTGCACCCCTGGACCAGGAGCCTCTGCTGAGT[A>G]TAGACCTGGGCACTGCTCACTCAGCTGCTGTGACTGGTGAGGAGGACTTGGGCTCTGGAG-3'
Protein context (NP_835464.1, residues 556-576): APLDQEPLLS[Ile566Val]DLGTAHSAAV

ClinVar aggregate classification (germline): Uncertain significance (1 of 4 stars; one submission).

Conditions:
Nephronophthisis 9 (NPHP9). Identifiers: Orphanet 655, MedGen C3151188, MONDO:0013444, OMIM 613824.

Allele frequency attached by ClinVar (database versions not stated): gnomAD exomes 0.00001; gnomAD 0.00001.

Submission:

Labcorp Genetics (formerly Invitae), Labcorp
Classification: Uncertain significance for Nephronophthisis 9. Last evaluated: 2022-02-22. Review status: criteria provided, single submitter. Criteria: Invitae Variant Classification Sherloc (09022015). Collection method: clinical testing. Allele origin: germline.
Comment: In summary, the available evidence is currently insufficient to determine the role of this variant in disease. Therefore, it has been classified as a Variant of Uncertain Significance. Algorithms developed to predict the effect of missense changes on protein structure and function output the following: SIFT: "Tolerated"; PolyPhen-2: "Benign"; Align-GVGD: "Class C0". The valine amino acid residue is found in multiple mammalian species, which suggests that this missense change does not adversely affect protein function. This variant has not been reported in the literature in individuals affected with NEK8-related conditions. This variant is present in population databases (no rsID available, gnomAD 0.007%). This sequence change replaces isoleucine, which is neutral and non-polar, with valine, which is neutral and non-polar, at codon 566 of the NEK8 protein (p.Ile566Val).